The following is an entry in ClinVar:

NM_021167.5(GATAD1):c.698G>A (p.Arg233Gln)

Gene: GATAD1 (GATA zinc finger domain containing 1; plus strand). Cytogenetic location: 7q21.2.
Variant type: single nucleotide variant.
Coding change: c.698G>A on transcript NM_021167.5 (MANE Select); coding-DNA position 698, G replaced by A.
Protein change: p.Arg233Gln; replaces arginine 233 with glutamine.
Molecular consequence: missense variant. On other transcripts: non-coding transcript variant (1).
Genome position (GRCh38, 1-based): chr7:92,456,450, G>A. VCF-style: chr7-92456450-G-A. GRCh37 (hg19) VCF-style: chr7-92085764-G-A.
Other names: short protein forms R233Q.
Identifiers: ClinVar variation 1756463 (VCV001756463.8), dbSNP rs373096190, ClinGen allele CA4340355.

ClinVar aggregate classification (germline): Uncertain significance. Review status: criteria provided, multiple submitters, no conflicts (2 of 4 stars). 2 submissions from 2 submitters: Uncertain significance (2). Last evaluated 2024-12-11.

Conditions:
Cardiovascular phenotype. Identifiers: MedGen CN230736.
Dilated cardiomyopathy 2B. Identifiers: Orphanet 154, MedGen C3553409, MONDO:0013848, OMIM 614672.

Allele frequency attached by ClinVar (database versions not stated): TOPMed 0.00001; ExAC 0.00002; gnomAD 0.00002; ESP Exome Variant Server 0.00008; 1000 Genomes Project 0.00020; 1000 Genomes Project 30x 0.00031.
gnomAD v4.1: 41 of 1,611,976 alleles (0.0025%); highest among the groups gnomAD compares: Admixed American, 0.005%; no homozygotes.

Submissions (2):

Labcorp Genetics (formerly Invitae), Labcorp
Classification: Uncertain significance for Dilated cardiomyopathy 2B. Last evaluated: 2024-12-11. Review status: criteria provided, single submitter. Criteria: Invitae Variant Classification Sherloc (09022015). Collection method: clinical testing. Allele origin: germline.
Comment: This sequence change replaces arginine, which is basic and polar, with glutamine, which is neutral and polar, at codon 233 of the GATAD1 protein (p.Arg233Gln). This variant is present in population databases (rs373096190, gnomAD 0.007%). This variant has not been reported in the literature in individuals affected with GATAD1-related conditions. ClinVar contains an entry for this variant (Variation ID: 1756463). Invitae Evidence Modeling of protein sequence and biophysical properties (such as structural, functional, and spatial information, amino acid conservation, physicochemical variation, residue mobility, and thermodynamic stability) indicates that this missense variant is not expected to disrupt GATAD1 protein function with a negative predictive value of 80%. In summary, the available evidence is currently insufficient to determine the role of this variant in disease. Therefore, it has been classified as a Variant of Uncertain Significance.

Ambry Genetics
Classification: Uncertain significance for Cardiovascular phenotype. Last evaluated: 2024-06-14. Review status: criteria provided, single submitter. Criteria: Ambry Variant Classification Scheme 2023. Collection method: clinical testing. Allele origin: germline.
Comment: The p.R233Q variant (also known as c.698G>A), located in coding exon 5 of the GATAD1 gene, results from a G to A substitution at nucleotide position 698. The arginine at codon 233 is replaced by glutamine, an amino acid with highly similar properties. This amino acid position is conserved. In addition, this alteration is predicted to be tolerated by in silico analysis. Since supporting evidence is limited at this time, the clinical significance of this alteration remains unclear.